The following is an entry in ClinVar:

NM_001035.3(RYR2):c.1799T>A (p.Leu600His)

Gene: RYR2 (ryanodine receptor 2; plus strand). Cytogenetic location: 1q43.
Variant type: single nucleotide variant.
Coding change: c.1799T>A on transcript NM_001035.3 (MANE Select); coding-DNA position 1799, T replaced by A.
Protein change: p.Leu600His; replaces leucine 600 with histidine.
Molecular consequence: missense variant.
Genome position (GRCh38, 1-based): chr1:237,491,896, T>A. VCF-style: chr1-237491896-T-A. GRCh37 (hg19) VCF-style: chr1-237655196-T-A.
Other names: c.1799T>A (NM_001035.2); short protein forms L600H.
Identifiers: ClinVar variation 2141934 (VCV002141934.4), dbSNP rs2529113509, ClinGen allele CA345388176.
Genomic context (GRCh38, chr1:237,491,896, plus strand): 5'-TAGAAAGTCCAGAAGCTCTAAATATTATTAAAGAAGGACATATTAAATCTATTATCTCAC[T>A]TTTAGACAAACATGGAAGAAATCACAAGGTAAATGAACTATTTTATTTCCCTGAATGAAT-3'
Protein context (NP_001026.2, residues 590-610): KEGHIKSIIS[Leu600His]LDKHGRNHKV

ClinVar aggregate classification (germline): Uncertain significance. Review status: criteria provided, multiple submitters, no conflicts (2 of 4 stars). 2 submissions from 2 submitters: Uncertain significance (2). Last evaluated 2025-07-28.

Conditions:
Catecholaminergic polymorphic ventricular tachycardia 1. Also called: VENTRICULAR TACHYCARDIA, STRESS-INDUCED POLYMORPHIC 1; VENTRICULAR TACHYCARDIA, CATECHOLAMINERGIC POLYMORPHIC, 1, WITH OR WITHOUT ATRIAL DYSFUNCTION AND/OR DILATED CARDIOMYOPATHY; RYR2-Related Catecholaminergic Polymorphic Ventricular Tachycardia. Identifiers: Orphanet 3286, MedGen C1631597, MONDO:0011484, OMIM 604772.

Allele frequency attached by ClinVar (database versions not stated): gnomAD exomes 0.00001.
gnomAD v4.1: 8 of 1,381,390 alleles (0.00058%); highest among the groups gnomAD compares: Non-Finnish European, 0.0008%; no homozygotes.

Submissions (2):

GeneDx
Classification: Uncertain significance. Last evaluated: 2025-07-28. Review status: criteria provided, single submitter. Criteria: GeneDx Variant Classification Process June 2021. Collection method: clinical testing. Allele origin: germline. Affected: yes.
Comment: Not observed at significant frequency in large population cohorts (gnomAD); In silico analysis supports that this missense variant has a deleterious effect on protein structure/function; Has not been previously published as pathogenic or benign to our knowledge; Not located in one of the three hot-spot regions of the RYR2 gene, where the majority of pathogenic missense variants occur (PMID: 19926015); This variant is associated with the following publications: (PMID: 19926015)

Labcorp Genetics (formerly Invitae), Labcorp
Classification: Uncertain significance for Catecholaminergic polymorphic ventricular tachycardia 1. Last evaluated: 2025-05-27. Review status: criteria provided, single submitter. Criteria: Invitae Variant Classification Sherloc (09022015). Collection method: clinical testing. Allele origin: germline.
Comment: This sequence change replaces leucine, which is neutral and non-polar, with histidine, which is basic and polar, at codon 600 of the RYR2 protein (p.Leu600His). This variant is not present in population databases (gnomAD no frequency). This variant has not been reported in the literature in individuals affected with RYR2-related conditions. ClinVar contains an entry for this variant (Variation ID: 2141934). Invitae Evidence Modeling of protein sequence and biophysical properties (such as structural, functional, and spatial information, amino acid conservation, physicochemical variation, residue mobility, and thermodynamic stability) indicates that this missense variant is expected to disrupt RYR2 protein function with a positive predictive value of 95%. In summary, the available evidence is currently insufficient to determine the role of this variant in disease. Therefore, it has been classified as a Variant of Uncertain Significance.